The following is an entry in ClinVar:

ClinVar aggregate classification (germline): Uncertain significance (1 of 4 stars; one submission).

Submission:

GeneDx
Classification: Uncertain significance. Last evaluated: 2024-10-27. Review status: criteria provided, single submitter. Criteria: GeneDx Variant Classification Process June 2021. Collection method: clinical testing. Allele origin: germline. Affected: yes.
Comment: Not observed at significant frequency in large population cohorts (gnomAD); In silico analysis supports that this missense variant has a deleterious effect on protein structure/function; Has not been previously published as pathogenic or benign to our knowledge

NM_003244.4(TGIF1):c.509C>T (p.Pro170Leu)

Gene: TGIF1 (TGFB induced factor homeobox 1; plus strand). Cytogenetic location: 18p11.31.
Variant type: single nucleotide variant.
Coding change: c.509C>T on transcript NM_003244.4 (MANE Select); coding-DNA position 509, C replaced by T.
Protein change: p.Pro170Leu; replaces proline 170 with leucine.
Molecular consequence: missense variant.
Genome position (GRCh38, 1-based): chr18:3,457,630, C>T. VCF-style: chr18-3457630-C-T. GRCh37 (hg19) VCF-style: chr18-3457628-C-T.
Other names: c.518C>T, p.Pro173Leu (NM_001278682.2); c.509C>T, p.Pro170Leu (NM_001278684.2, NM_173208.3); c.449C>T, p.Pro150Leu (NM_001278686.3, NM_001374396.1, NM_001374397.1 and 5 more transcripts); c.551C>T, p.Pro184Leu (NM_173207.4); short protein forms P184L, P150L, P170L, P173L.
Identifiers: ClinVar variation 3893639 (VCV003893639.1).